The following is an entry in ClinVar:

NM_001148.6(ANK2):c.990G>A (p.Lys330=)

Gene: ANK2 (ankyrin 2; plus strand). Cytogenetic location: 4q26.
Variant type: single nucleotide variant.
Coding change: c.990G>A on transcript NM_001148.6 (MANE Select); coding-DNA position 990, G replaced by A.
Protein change: p.Lys330=; no amino-acid change (lysine 330 retained).
Molecular consequence: synonymous variant.
Genome position (GRCh38, 1-based): chr4:113,249,862, G>A. VCF-style: chr4-113249862-G-A. GRCh37 (hg19) VCF-style: chr4-114171018-G-A.
Other names: c.927G>A, p.Lys309= (NM_001127493.3, NM_001354239.2, NM_001354243.2 and 14 more transcripts); c.990G>A, p.Lys330= (NM_001354225.2, NM_001354228.2, NM_001354232.2 and 9 more transcripts); c.1035G>A, p.Lys345= (NM_001354230.2, NM_001354231.2, NM_001354237.2 and 5 more transcripts); c.903G>A, p.Lys301= (NM_001354249.2, NM_001354260.2, NM_001354264.2 and 16 more transcripts); c.948G>A, p.Lys316= (NM_001354261.2, NM_001386147.1, NM_001386160.1); c.978G>A, p.Lys326= (NM_001354269.3, NM_001386148.2, NM_001386186.2); c.1041G>A, p.Lys347= (NM_001386174.1); c.1017G>A, p.Lys339= (NM_001386175.1); and 1 more.
Identifiers: ClinVar variation 3221028 (VCV003221028.1), dbSNP rs972895261, ClinGen allele CA103801816.

ClinVar aggregate classification (germline): Uncertain significance (1 of 4 stars; one submission).

Conditions:
Cardiovascular phenotype. Identifiers: MedGen CN230736.

Allele frequency attached by ClinVar (database versions not stated): gnomAD 0.00001; TOPMed 0.00001.
gnomAD v4.1: 2 of 1,613,438 alleles (0.00012%); highest among the groups gnomAD compares: African/African-American, 0.0013%; no homozygotes.

Submission:

Ambry Genetics
Classification: Uncertain significance for Cardiovascular phenotype. Last evaluated: 2023-12-12. Review status: criteria provided, single submitter. Criteria: Ambry Variant Classification Scheme 2023. Collection method: clinical testing. Allele origin: germline.
Comment: The c.990G>A variant (also known as p.K330K) is located in coding exon 10 of the ANK2 gene. This variant results from a G to A substitution at nucleotide position 990. This nucleotide substitution does not change the lysine at codon 330. However, this change occurs in the last base pair of coding exon 10, which makes it likely to have some effect on normal mRNA splicing. This nucleotide position is highly conserved in available vertebrate species. In silico splice site analysis predicts that this alteration will result in the creation or strengthening of a novel splice donor site. Since supporting evidence is limited at this time, the clinical significance of this alteration remains unclear.